The following is an entry in ClinVar:

ClinVar aggregate classification (germline): Uncertain significance. Review status: criteria provided, multiple submitters, no conflicts (2 of 4 stars). 2 submissions from 2 submitters: Uncertain significance (2). Last evaluated 2024-08-14.

Conditions:
Familial cold autoinflammatory syndrome 3 (FCAS3). Also called: FAMILIAL ATYPICAL COLD URTICARIA; ANTIBODY DEFICIENCY AND IMMUNE DYSREGULATION, PLCG2-ASSOCIATED. Identifiers: Orphanet 300359, MedGen C3280914, MONDO:0013766, OMIM 614468.
Autoinflammation-PLCG2-associated antibody deficiency-immune dysregulation. Also called: Autoinflammation, antibody deficiency, and immune dysregulation, plcg2-associated; Autoinflammation, antibody deficiency, and immune dysregulation syndrome; AUTOINFLAMMATION, ANTIBODY DEFICIENCY, AND IMMUNE DYSREGULATION. Identifiers: Orphanet 324530, MedGen C3553961, MONDO:0013944, OMIM 614878.

Allele frequency attached by ClinVar (database versions not stated): gnomAD exomes below 0.00001; gnomAD 0.00001.
gnomAD v4.1: 5 of 1,613,994 alleles (0.00031%); highest among the groups gnomAD compares: Non-Finnish European, 0.00042%; no homozygotes.

Submissions (2):

Labcorp Genetics (formerly Invitae), Labcorp
Classification: Uncertain significance for Familial cold autoinflammatory syndrome 3. Last evaluated: 2024-08-14. Review status: criteria provided, single submitter. Criteria: Invitae Variant Classification Sherloc (09022015). Collection method: clinical testing. Allele origin: germline.
Comment: This sequence change replaces lysine, which is basic and polar, with arginine, which is basic and polar, at codon 545 of the PLCG2 protein (p.Lys545Arg). This variant is not present in population databases (gnomAD no frequency). This variant has not been reported in the literature in individuals affected with PLCG2-related conditions. ClinVar contains an entry for this variant (Variation ID: 472891). An algorithm developed to predict the effect of missense changes on protein structure and function (PolyPhen-2) suggests that this variant is likely to be tolerated. In summary, the available evidence is currently insufficient to determine the role of this variant in disease. Therefore, it has been classified as a Variant of Uncertain Significance.

Fulgent Genetics
Classification: Uncertain significance for Familial cold autoinflammatory syndrome 3; Autoinflammation-PLCG2-associated antibody deficiency-immune dysregulation. Last evaluated: 2022-01-13. Review status: criteria provided, single submitter. Criteria: ACMG Guidelines, 2015. Collection method: clinical testing. Allele origin: unknown.

NM_002661.5(PLCG2):c.1634A>G (p.Lys545Arg)

Gene: PLCG2 (phospholipase C gamma 2; plus strand). Cytogenetic location: 16q23.3.
Variant type: single nucleotide variant.
Coding change: c.1634A>G on transcript NM_002661.5 (MANE Select); coding-DNA position 1634, A replaced by G.
Protein change: p.Lys545Arg; replaces lysine 545 with arginine.
Molecular consequence: missense variant.
Genome position (GRCh38, 1-based): chr16:81,908,492, A>G. VCF-style: chr16-81908492-A-G. GRCh37 (hg19) VCF-style: chr16-81942097-A-G.
Other names: short protein forms K545R.
Identifiers: ClinVar variation 472891 (VCV000472891.13), dbSNP rs1555519355, ClinGen allele CA396900211.